The following is an entry in ClinVar:

ClinVar aggregate classification (germline): Conflicting classifications of pathogenicity. Review status: criteria provided, conflicting classifications (1 of 4 stars). 4 submissions from 4 submitters: Uncertain significance (2); Likely benign (1). 1 of the submissions does not count toward it. Last evaluated 2025-07-22.

Conditions:
Hereditary cancer-predisposing syndrome. Also called: Tumor predisposition; Hereditary neoplastic syndrome; Hereditary Cancer Syndrome; Neoplastic Syndromes, Hereditary. Identifiers: Orphanet 140162, MedGen C0027672, MeSH D009386, MONDO:0015356.
Gastrointestinal stromal tumor. Also called: Gastrointestinal stromal tumor, somatic; Gastrointestinal stroma tumor. Identifiers: Orphanet 44890, MedGen C0238198, MeSH D046152, MONDO:0011719, OMIM 606764, HP:0100723.

Allele frequency attached by ClinVar (database versions not stated): gnomAD exomes below 0.00001.
gnomAD v4.1: 7 of 1,614,182 alleles (0.00043%); highest among the groups gnomAD compares: Non-Finnish European, 0.00059%; no homozygotes.

Submissions (4):

Labcorp Genetics (formerly Invitae), Labcorp
Classification: Uncertain significance for Gastrointestinal stromal tumor. Last evaluated: 2025-07-22. Review status: criteria provided, single submitter. Criteria: Invitae Variant Classification Sherloc (09022015). Collection method: clinical testing. Allele origin: germline.
Comment: This sequence change replaces isoleucine, which is neutral and non-polar, with valine, which is neutral and non-polar, at codon 473 of the PDGFRA protein (p.Ile473Val). This variant is not present in population databases (gnomAD no frequency). This variant has not been reported in the literature in individuals affected with PDGFRA-related conditions. ClinVar contains an entry for this variant (Variation ID: 135012). An algorithm developed to predict the effect of missense changes on protein structure and function outputs the following: PolyPhen-2: "Benign". The valine amino acid residue is found in multiple mammalian species, which suggests that this missense change does not adversely affect protein function. In summary, the available evidence is currently insufficient to determine the role of this variant in disease. Therefore, it has been classified as a Variant of Uncertain Significance.

Ambry Genetics
Classification: Likely benign for Hereditary cancer-predisposing syndrome. Last evaluated: 2024-12-11. Review status: criteria provided, single submitter. Criteria: Ambry Variant Classification Scheme 2023. Collection method: clinical testing. Allele origin: germline.

GeneDx
Classification: Uncertain significance. Last evaluated: 2024-01-02. Review status: criteria provided, single submitter. Criteria: GeneDx Variant Classification Process June 2021. Collection method: clinical testing. Allele origin: germline. Affected: yes.
Comment: Not observed at significant frequency in large population cohorts (gnomAD); In silico analysis supports that this missense variant does not alter protein structure/function; Observed in an individual with limb girdle muscular dystrophy (PMID: 29970176); This variant is associated with the following publications: (PMID: 24728327, 29970176)

ITMI
No classification provided. Condition: AllHighlyPenetrant. Last evaluated: 2013-09-19. Review status: no classification provided. Collection method: reference population. Allele origin: germline. Not counted in ClinVar's aggregate classification.
Comment: Please see associated publication for description of ethnicities

Literature cited by the submitters: PubMed 24728327 (cited by Ambry Genetics and ITMI).

NM_006206.6(PDGFRA):c.1417A>G (p.Ile473Val)

Gene: PDGFRA (platelet derived growth factor receptor alpha; plus strand). Cytogenetic location: 4q12.
Variant type: single nucleotide variant.
Coding change: c.1417A>G on transcript NM_006206.6 (MANE Select); coding-DNA position 1417, A replaced by G.
Protein change: p.Ile473Val; replaces isoleucine 473 with valine.
Molecular consequence: missense variant.
Genome position (GRCh38, 1-based): chr4:54,273,589, A>G. VCF-style: chr4-54273589-A-G. GRCh37 (hg19) VCF-style: chr4-55139756-A-G.
Other names: c.1417A>G, p.Ile473Val (NM_001347827.2, NM_001347829.2); c.1492A>G, p.Ile498Val (NM_001347828.2); c.1456A>G, p.Ile486Val (NM_001347830.2); short protein forms I473V, I486V, I498V.
Identifiers: ClinVar variation 135012 (VCV000135012.15), dbSNP rs587778594, ClinGen allele CA161390.
Genomic context (GRCh38, chr4:54,273,589, plus strand): 5'-CTCTCTAGATGTAATAATGAAACTTCCTGGACTATTTTGGCCAACAATGTCTCAAACATC[A>G]TCACGGAGATCCACTCCCGAGACAGGAGTACCGTGGAGGGCCGTGTGACTTTCGCCAAAG-3'
Protein context (NP_006197.1, residues 463-483): TILANNVSNI[Ile473Val]TEIHSRDRST